The following is an entry in ClinVar:

ClinVar aggregate classification (germline): Likely pathogenic (1 of 4 stars; one submission).

Conditions:
Familial dysautonomia. Also called: HSAN III; FD. Identifiers: Orphanet 1764, MedGen C0013364, MONDO:0009131, OMIM 223900. Disease mechanism: loss of function.

gnomAD v4.1: 7 of 1,613,786 alleles (0.00043%); highest among the groups gnomAD compares: Non-Finnish European, 0.00059%; no homozygotes.

Submission:

Natera, Inc.
Classification: Likely pathogenic for Familial dysautonomia. Last evaluated: 2024-03-04. Review status: criteria provided, single submitter. Criteria: Natera Variant Classification Schema (03/2026). Collection method: clinical testing. Allele origin: germline.
Comment: The c.2860+1G>T variant in ELP1 is a canonical splice donor site variant predicted to affect pre-mRNA splicing, which may result in an abnormal transcript and altered protein product. This variant is expected to result in nonsense mediated decay, truncation, or a dysfunctional protein product. This variant is rare in the general population with a frequency below the threshold expected for the associated phenotype(s). Given the available evidence, this variant is classified as Likely Pathogenic.

NM_003640.5(ELP1):c.2860+1G>T

Gene: ELP1 (elongator acetyltransferase complex subunit 1; minus strand). Cytogenetic location: 9q31.3.
Variant type: single nucleotide variant.
Coding change: c.2860+1G>T on transcript NM_003640.5 (MANE Select); the canonical splice donor site of the intron after coding-DNA position 2860, G replaced by T.
Molecular consequence: splice donor variant.
Genome position (GRCh38, 1-based): chr9:108,893,942, C>A on the plus strand (G>T on the coding strand, the complement: ELP1 is on the minus strand). VCF-style: chr9-108893942-C-A. GRCh37 (hg19) VCF-style: chr9-111656222-C-A.
Other names: c.2518+1G>T (NM_001318360.2); c.1813+1G>T (NM_001330749.2).
Identifiers: ClinVar variation 4815209 (VCV004815209.1).
Genomic context (GRCh38, chr9:108,893,942, plus strand): 5'-ACCTTGCCTAGTTCCAAAGAAGATCTGAAGTAGAGATAAACATACTAATCCCCACACTTA[C>A]CACATTTGCTGAGGTGGCCAATGGCTTTTTCATATCGTTTCAAGTATTTGTCTATAGTAA-3'